The following is an entry in ClinVar:

NM_033380.3(COL4A5):c.1213dup (p.Arg405fs)

Gene: COL4A5 (collagen type IV alpha 5 chain; plus strand). Cytogenetic location: Xq22.3.
Variant type: Duplication.
Coding change: c.1213dup on transcript NM_033380.3 (MANE Select); coding-DNA position 1213, one base duplicated (A; older notation c.1213dupA).
Protein change: p.Arg405fs; shifts the reading frame from arginine 405.
Molecular consequence: frameshift variant.
Genome position (GRCh38, 1-based): chrX:108,591,105, A duplicated; the last of 3 consecutive A bases (chrX:108,591,103-108,591,105); duplicating any one gives the same sequence. VCF-style (leftmost placement, unchanged base first): chrX-108591102-G-GA. GRCh37 (hg19) VCF-style: chrX-107834332-G-GA.
Other names: c.1213dup, p.Arg405fs (NM_000495.5); c.1213dupA (NM_033380.2); short protein forms R405fs.
Identifiers: ClinVar variation 3254628 (VCV003254628.1), dbSNP rs281874659.

ClinVar aggregate classification (germline): Pathogenic (1 of 4 stars; one submission).

Conditions:
X-linked Alport syndrome (ATS1). Also called: COL4A5-Related Nephropathy; NEPHROPATHY AND DEAFNESS, X-LINKED. Identifiers: Orphanet 63, Orphanet 88917, MedGen C4746986, MONDO:0010520, OMIM 301050.

Submission:

Victorian Clinical Genetics Services, Murdoch Childrens Research Institute
Classification: Pathogenic for X-linked Alport syndrome. Last evaluated: 2022-02-02. Review status: criteria provided, single submitter. Criteria: ACMG Guidelines, 2015. Collection method: clinical testing. Allele origin: germline. Inheritance: X-linked dominant inheritance.
Comment: Based on the classification scheme VCGS_Germline_v1.3.4, this variant is classified as Pathogenic. Following criteria are met: 0103 - Dominant negative and loss of function are known mechanisms of disease in this gene and are associated with X-linked Alport syndrome 1 (MIM#301050). A dominant negative disease mechanism is generally the reult of glycine substitutions that affect the conformation of the protein. A loss of function disease mechanism can be caused by either missense variants or variants that result in a premature ternination codon (PMID: 24046192, PMID: 12028435). (I) 0110 - This gene is associated with X-linked dominant disease. (I) 0115 - Variants in this gene are known to have variable expressivity. Males are typically more severely affected than females (PMID: 19965530). (I) 0201 - Variant is predicted to cause nonsense-mediated decay (NMD) and loss of protein (premature termination codon is located at least 54 nucleotides upstream of the final exon-exon junction). (SP) 0251 - This variant is heterozygous. (I) 0301 - Variant is absent from gnomAD (both v2 and v3). (SP) 0701 - Other NMD variants comparable to the one identified in this case have very strong previous evidence for pathogenicity (ClinVar, DECIPHER). (SP) 0803 - This variant has limited previous evidence of pathogenicity in unrelated individuals. It has been reported in an individual with Alport syndrome (PMID: 19019929). (SP) 1208 - Inheritance information for this variant is not currently available in this individual. (I) Legend: (SP) - Supporting pathogenic, (I) - Information, (SB) - Supporting benign

Literature cited by the submitters: PubMed 12028435; PubMed 19019929; PubMed 19965530; PubMed 24046192.